The following is an entry in ClinVar:

NM_014140.4(SMARCAL1):c.662G>T (p.Arg221Ile)

Gene: SMARCAL1 (SNF2 related chromatin remodeling annealing helicase 1; plus strand). Cytogenetic location: 2q35.
Variant type: single nucleotide variant.
Coding change: c.662G>T on transcript NM_014140.4 (MANE Select); coding-DNA position 662, G replaced by T.
Protein change: p.Arg221Ile; replaces arginine 221 with isoleucine.
Molecular consequence: missense variant.
Genome position (GRCh38, 1-based): chr2:216,415,366, G>T. VCF-style: chr2-216415366-G-T. GRCh37 (hg19) VCF-style: chr2-217280089-G-T.
Other names: c.662G>T, p.Arg221Ile (NM_001127207.2); short protein forms R221I.
Identifiers: ClinVar variation 2199100 (VCV002199100.1), dbSNP rs371098968, ClinGen allele CA2097636.

ClinVar aggregate classification (germline): Uncertain significance (1 of 4 stars; one submission).

Conditions:
Schimke immuno-osseous dysplasia (SIOD). Also called: Schimke Immunoosseous Dysplasia. Identifiers: Orphanet 1830, MedGen C0877024, MONDO:0009458, OMIM 242900.

Allele frequency attached by ClinVar (database versions not stated): ExAC 0.00001; gnomAD 0.00001; gnomAD exomes 0.00001; TOPMed 0.00002; 1000 Genomes Project 30x 0.00031.
gnomAD v4.1: 10 of 1,614,244 alleles (0.00062%); highest among the groups gnomAD compares: East Asian, 0.016%; no homozygotes.

Submission:

Labcorp Genetics (formerly Invitae), Labcorp
Classification: Uncertain significance for Schimke immuno-osseous dysplasia. Last evaluated: 2022-08-16. Review status: criteria provided, single submitter. Criteria: Invitae Variant Classification Sherloc (09022015). Collection method: clinical testing. Allele origin: germline.
Comment: This sequence change replaces arginine, which is basic and polar, with isoleucine, which is neutral and non-polar, at codon 221 of the SMARCAL1 protein (p.Arg221Ile). This variant is present in population databases (rs371098968, gnomAD 0.02%). This variant has not been reported in the literature in individuals affected with SMARCAL1-related conditions. Algorithms developed to predict the effect of missense changes on protein structure and function (SIFT, PolyPhen-2, Align-GVGD) all suggest that this variant is likely to be tolerated. In summary, the available evidence is currently insufficient to determine the role of this variant in disease. Therefore, it has been classified as a Variant of Uncertain Significance.